The following is an entry in ClinVar:

ClinVar aggregate classification (germline): Pathogenic (1 of 4 stars; one submission).

Submission:

CeGaT Center for Human Genetics Tuebingen
Classification: Pathogenic. Last evaluated: 2025-12-01. Review status: criteria provided, single submitter. Criteria: CeGaT Center For Human Genetics Tuebingen Variant Classification Criteria Version 2. Collection method: clinical testing. Allele origin: germline. Affected: yes. Observed: 1 variant allele.
Comment: SCN1A: PVS1, PM2

NM_001165963.4(SCN1A):c.632dup (p.Asn211fs)

Gene: SCN1A (sodium voltage-gated channel alpha subunit 1; minus strand). Cytogenetic location: 2q24.3.
Variant type: Duplication.
Coding change: c.632dup on transcript NM_001165963.4 (MANE Select); coding-DNA position 632, one base duplicated (A; older notation c.632dupA).
Protein change: p.Asn211fs; shifts the reading frame from asparagine 211.
Molecular consequence: frameshift variant. On other transcripts: 5 prime UTR variant (1), non-coding transcript variant (1).
Genome position (GRCh38, 1-based): chr2:166,052,914, T duplicated on the plus strand (A on the coding strand, the reverse complement: SCN1A is on the minus strand); the first of 2 consecutive T bases (chr2:166,052,914-166,052,915); duplicating either gives the same sequence. VCF-style (leftmost placement, unchanged base first): chr2-166052913-A-AT. GRCh37 (hg19) VCF-style: chr2-166909423-A-AT.
Other names: c.632dup, p.Asn211fs (NM_001353951.2, NM_001353952.2, NM_001353954.2 and 10 more transcripts); c.-1794dup (NM_001353961.2); short protein forms N211fs.
Identifiers: ClinVar variation 4682052 (VCV004682052.5).
Genomic context (GRCh38, chr2:166,052,913, plus strand): 5'-TGGAATGACTGAAATCGTCTTCAATGCTCGGAGAACTCTGAATGTTCTCAATGCCGAGAC[A>AT]TTGCCCAGGTCCACAAACTCTGTGACGTACCTGTAATAGGGAGTTCACACACAAACACAA-3'